The following is an entry in ClinVar:

NM_004360.5(CDH1):c.2411C>A (p.Pro804His)

Gene: CDH1 (cadherin 1; plus strand). Cytogenetic location: 16q22.1.
Variant type: single nucleotide variant.
Coding change: c.2411C>A on transcript NM_004360.5 (MANE Select); coding-DNA position 2411, C replaced by A.
Protein change: p.Pro804His; replaces proline 804 with histidine.
Molecular consequence: missense variant.
Genome position (GRCh38, 1-based): chr16:68,829,769, C>A. VCF-style: chr16-68829769-C-A. GRCh37 (hg19) VCF-style: chr16-68863672-C-A.
Other names: c.2228C>A, p.Pro743His (NM_001317184.2); c.863C>A, p.Pro288His (NM_001317185.2); c.446C>A, p.Pro149His (NM_001317186.2); short protein forms P288H, P743H, P804H, P149H.
Identifiers: ClinVar variation 821237 (VCV000821237.15), dbSNP rs1596972823, ClinGen allele CA396471259.

ClinVar aggregate classification (germline): Uncertain significance. Review status: criteria provided, multiple submitters, no conflicts (2 of 4 stars). 2 submissions from 2 submitters: Uncertain significance (2). Last evaluated 2025-05-30.

Conditions:
Hereditary diffuse gastric adenocarcinoma (HDGC). Also called: DIFFUSE GASTRIC AND LOBULAR BREAST CANCER SYNDROME. Identifiers: Orphanet 26106, MedGen C1708349, MONDO:0007648, OMIM 137215.
Hereditary cancer-predisposing syndrome. Also called: Hereditary Cancer Syndrome; Neoplastic Syndromes, Hereditary; Hereditary neoplastic syndrome; Tumor predisposition. Identifiers: Orphanet 140162, MedGen C0027672, MeSH D009386, MONDO:0015356.

Submissions (2):

Ambry Genetics
Classification: Uncertain significance for Hereditary cancer-predisposing syndrome. Last evaluated: 2025-05-30. Review status: criteria provided, single submitter. Criteria: Ambry Variant Classification Scheme 2023. Collection method: clinical testing. Allele origin: germline.
Comment: The p.P804H variant (also known as c.2411C>A), located in coding exon 15 of the CDH1 gene, results from a C to A substitution at nucleotide position 2411. The proline at codon 804 is replaced by histidine, an amino acid with similar properties. This amino acid position is highly conserved in available vertebrate species. In addition, this alteration is predicted to be deleterious by in silico analysis. Based on the available evidence, the clinical significance of this variant remains unclear.

Labcorp Genetics (formerly Invitae), Labcorp
Classification: Uncertain significance for Hereditary diffuse gastric adenocarcinoma. Last evaluated: 2022-01-12. Review status: criteria provided, single submitter. Criteria: Invitae Variant Classification Sherloc (09022015). Collection method: clinical testing. Allele origin: germline.
Comment: This sequence change replaces proline, which is neutral and non-polar, with histidine, which is basic and polar, at codon 804 of the CDH1 protein (p.Pro804His). This variant is not present in population databases (gnomAD no frequency). This variant has not been reported in the literature in individuals affected with CDH1-related conditions. ClinVar contains an entry for this variant (Variation ID: 821237). Algorithms developed to predict the effect of missense changes on protein structure and function are either unavailable or do not agree on the potential impact of this missense change (SIFT: "Deleterious"; PolyPhen-2: "Probably Damaging"; Align-GVGD: "Class C0"). In summary, the available evidence is currently insufficient to determine the role of this variant in disease. Therefore, it has been classified as a Variant of Uncertain Significance.